The following is an entry in ClinVar:

NM_000071.3(CBS):c.954+20C>T

Gene: CBS (cystathionine beta-synthase; minus strand). Cytogenetic location: 21q22.3.
Variant type: single nucleotide variant.
Coding change: c.954+20C>T on transcript NM_000071.3 (MANE Select); 20 bases into the intron after coding-DNA position 954, C replaced by T.
Molecular consequence: intron variant.
Genome position (GRCh38, 1-based): chr21:43,062,933, G>A on the plus strand (C>T on the coding strand, the complement: CBS is on the minus strand). VCF-style: chr21-43062933-G-A. GRCh37 (hg19) VCF-style: chr21-44483043-G-A.
Other names: c.954+20C>T (NM_001320298.2, NM_001178009.3, NM_001178008.3); c.639+20C>T (NM_001321072.1).
Identifiers: ClinVar variation 377629 (VCV000377629.12), dbSNP rs372327925, ClinGen allele CA16608523.

ClinVar aggregate classification (germline): Benign/Likely benign. Review status: criteria provided, multiple submitters, no conflicts (2 of 4 stars). 6 submissions from 6 submitters: Benign (3); Likely benign (1). 2 of the submissions do not count toward it. Last evaluated 2026-01-24.

Conditions:
HYPERHOMOCYSTEINEMIA, THROMBOTIC, CBS-RELATED. Identifiers: MedGen C3150344, OMIM 236200.

Allele frequency attached by ClinVar (database versions not stated): gnomAD exomes 0.00043; ExAC 0.00049; gnomAD 0.00051; ESP Exome Variant Server 0.00146; 1000 Genomes Project 0.00180.

Submissions (6):

Labcorp Genetics (formerly Invitae), Labcorp
Classification: Benign for HYPERHOMOCYSTEINEMIA, THROMBOTIC, CBS-RELATED. Last evaluated: 2026-01-24. Review status: criteria provided, single submitter. Criteria: Invitae Variant Classification Sherloc (09022015). Collection method: clinical testing. Allele origin: germline.

Blueprint Genetics
Classification: Likely benign. Last evaluated: 2024-11-27. Review status: criteria provided, single submitter. Criteria: ACMG Guidelines, 2015. Collection method: clinical testing. Allele origin: germline.

Women's Health and Genetics/Laboratory Corporation of America, LabCorp
Classification: Benign. Last evaluated: 2021-01-21. Review status: criteria provided, single submitter. Criteria: LabCorp Variant Classification Summary - May 2015. Collection method: clinical testing. Allele origin: germline.
Comment: Variant summary: CBS c.954+20C>T alters a non-conserved nucleotide located close to a canonical splice site and therefore could affect mRNA splicing, leading to a significantly altered protein sequence. 4/4 computational tools predict no significant impact on normal splicing. However, these predictions have yet to be confirmed by functional studies. The variant allele was found at a frequency of 0.00043 in 250638 control chromosomes, predominantly at a frequency of 0.0043 within the African or African-American subpopulation in the gnomAD database. The observed variant frequency within African or African-American control individuals in the gnomAD database is approximately 1.4 fold of the estimated maximal expected allele frequency for a pathogenic variant in CBS causing Homocystinuria phenotype (0.003), strongly suggesting that the variant is a benign polymorphism found primarily in populations of African or African-American origin. To our knowledge, no occurrence of c.954+20C>T in individuals affected with Homocystinuria and no experimental evidence demonstrating its impact on protein function have been reported. One clinical diagnostic laboratory has submitted clinical-significance assessments for this variant to ClinVar after 2014 without evidence for independent evaluation and classified the variant as benign. Based on the evidence outlined above, the variant was classified as benign.

GeneDx
Classification: Benign. Last evaluated: 2015-07-29. Review status: criteria provided, single submitter. Criteria: GeneDx Variant Classification (06012015). Collection method: clinical testing. Allele origin: germline. Affected: yes.
Comment: This variant is considered likely benign or benign based on one or more of the following criteria: it is a conservative change, it occurs at a poorly conserved position in the protein, it is predicted to be benign by multiple in silico algorithms, and/or has population frequency not consistent with disease.

Genome Diagnostics Laboratory, Amsterdam University Medical Center
Classification: Likely benign. Review status: no assertion criteria provided. Collection method: clinical testing. Allele origin: germline. Affected: yes. Study: VKGL Data-share Consensus. Not counted in ClinVar's aggregate classification.

Joint Genome Diagnostic Labs from Nijmegen and Maastricht, Radboudumc and MUMC+
Classification: Likely benign. Review status: no assertion criteria provided. Collection method: clinical testing. Allele origin: germline. Affected: yes. Study: VKGL Data-share Consensus. Not counted in ClinVar's aggregate classification.